The following is an entry in ClinVar:

ClinVar aggregate classification (germline): Uncertain significance (1 of 4 stars; one submission).

gnomAD v4.1: 31 of 1,610,536 alleles (0.0019%); highest among the groups gnomAD compares: Non-Finnish European, 0.0026%; no homozygotes.

Submission:

Labcorp Genetics (formerly Invitae), Labcorp
Classification: Uncertain significance. Last evaluated: 2022-04-07. Review status: criteria provided, single submitter. Criteria: Invitae Variant Classification Sherloc (09022015). Collection method: clinical testing. Allele origin: germline.
Comment: This sequence change replaces valine, which is neutral and non-polar, with leucine, which is neutral and non-polar, at codon 4198 of the ADGRV1 protein (p.Val4198Leu). This variant is present in population databases (rs2460169, gnomAD 0.007%). This variant has not been reported in the literature in individuals affected with ADGRV1-related conditions. Algorithms developed to predict the effect of missense changes on protein structure and function output the following: SIFT: "Tolerated"; PolyPhen-2: "Benign"; Align-GVGD: "Class C0". The leucine amino acid residue is found in multiple mammalian species, which suggests that this missense change does not adversely affect protein function. In summary, the available evidence is currently insufficient to determine the role of this variant in disease. Therefore, it has been classified as a Variant of Uncertain Significance.

NM_032119.4(ADGRV1):c.12592G>C (p.Val4198Leu)

Gene: ADGRV1 (adhesion G protein-coupled receptor V1; plus strand). Cytogenetic location: 5q14.3.
Variant type: single nucleotide variant.
Coding change: c.12592G>C on transcript NM_032119.4 (MANE Select); coding-DNA position 12592, G replaced by C.
Protein change: p.Val4198Leu; replaces valine 4198 with leucine.
Molecular consequence: missense variant. On other transcripts: non-coding transcript variant (1).
Genome position (GRCh38, 1-based): chr5:90,777,969, G>C. VCF-style: chr5-90777969-G-C. GRCh37 (hg19) VCF-style: chr5-90073786-G-C.
Other names: short protein forms V4198L.
Identifiers: ClinVar variation 2167024 (VCV002167024.1), dbSNP rs2460169, ClinGen allele CA3341293.